The following is an entry in ClinVar:

NM_004360.5(CDH1):c.793G>A (p.Glu265Lys)

Gene: CDH1 (cadherin 1; plus strand). Cytogenetic location: 16q22.1.
Variant type: single nucleotide variant.
Coding change: c.793G>A on transcript NM_004360.5 (MANE Select); coding-DNA position 793, G replaced by A.
Protein change: p.Glu265Lys; replaces glutamic acid 265 with lysine.
Molecular consequence: missense variant. On other transcripts: 5 prime UTR variant (2).
Genome position (GRCh38, 1-based): chr16:68,810,302, G>A. VCF-style: chr16-68810302-G-A. GRCh37 (hg19) VCF-style: chr16-68844205-G-A.
Other names: c.793G>A, p.Glu265Lys (NM_001317184.2); c.-823G>A (NM_001317185.2); c.-1027G>A (NM_001317186.2); c.793G>A (LRG_301t1); short protein forms E265K.
Identifiers: ClinVar variation 479489 (VCV000479489.11), dbSNP rs876659503, ClinGen allele CA396458788.

ClinVar aggregate classification (germline): Uncertain significance. Review status: criteria provided, multiple submitters, no conflicts (2 of 4 stars). 3 submissions from 3 submitters: Uncertain significance (3). Last evaluated 2025-01-12.

Conditions:
Hereditary cancer-predisposing syndrome. Also called: Tumor predisposition; Neoplastic Syndromes, Hereditary; Hereditary Cancer Syndrome; Hereditary neoplastic syndrome. Identifiers: Orphanet 140162, MedGen C0027672, MeSH D009386, MONDO:0015356.
Hereditary diffuse gastric adenocarcinoma (HDGC). Also called: DIFFUSE GASTRIC AND LOBULAR BREAST CANCER SYNDROME. Identifiers: Orphanet 26106, MedGen C1708349, MONDO:0007648, OMIM 137215.

gnomAD v4.1: 3 of 1,614,120 alleles (0.00019%); highest among the groups gnomAD compares: African/African-American, 0.0013%; no homozygotes.

Submissions (3):

Labcorp Genetics (formerly Invitae), Labcorp
Classification: Uncertain significance for Hereditary diffuse gastric adenocarcinoma. Last evaluated: 2025-01-12. Review status: criteria provided, single submitter. Criteria: Invitae Variant Classification Sherloc (09022015). Collection method: clinical testing. Allele origin: germline.
Comment: This sequence change replaces glutamic acid, which is acidic and polar, with lysine, which is basic and polar, at codon 265 of the CDH1 protein (p.Glu265Lys). This variant is not present in population databases (gnomAD no frequency). This variant has not been reported in the literature in individuals affected with CDH1-related conditions. ClinVar contains an entry for this variant (Variation ID: 479489). An algorithm developed to predict the effect of missense changes on protein structure and function (PolyPhen-2) suggests that this variant is likely to be tolerated. In summary, the available evidence is currently insufficient to determine the role of this variant in disease. Therefore, it has been classified as a Variant of Uncertain Significance.

GeneDx
Classification: Uncertain significance. Last evaluated: 2023-03-20. Review status: criteria provided, single submitter. Criteria: GeneDx Variant Classification Process June 2021. Collection method: clinical testing. Allele origin: germline. Affected: yes.
Comment: Not observed at significant frequency in large population cohorts (gnomAD); In silico analysis supports that this missense variant does not alter protein structure/function; Has not been previously published as pathogenic or benign to our knowledge; This variant is associated with the following publications: (PMID: 22850631, 15235021)

Ambry Genetics
Classification: Uncertain significance for Hereditary cancer-predisposing syndrome. Last evaluated: 2016-07-01. Review status: criteria provided, single submitter. Criteria: Ambry Variant Classification Scheme 2023. Collection method: clinical testing. Allele origin: germline.
Comment: The p.E265K variant (also known as c.793G>A), located in coding exon 6 of the CDH1 gene, results from a G to A substitution at nucleotide position 793. The glutamic acid at codon 265 is replaced by lysine, an amino acid with similar properties. This variant was not reported in population based cohorts in the following databases: Database of Single Nucleotide Polymorphisms (dbSNP), NHLBI Exome Sequencing Project (ESP), and 1000 Genomes Project. In the ESP, this variant was not observed in 6498 samples (12996 alleles) with coverage at this position. To date, this alteration has been detected with an allele frequency of approximately 0.001% (greater than 240000 alleles tested) in our clinical cohort. This amino acid position is poorly conserved in available vertebrate species. In addition, this alteration is predicted to be tolerated by in silico analysis. Since supporting evidence is limited at this time, the clinical significance of this alteration remains unclear.